The following is an entry in ClinVar:

NM_018671.5(UNC45A):c.398G>A (p.Arg133Gln)

Gene: UNC45A (unc-45 myosin chaperone A; plus strand). Cytogenetic location: 15q26.1.
Variant type: single nucleotide variant.
Coding change: c.398G>A on transcript NM_018671.5 (MANE Select); coding-DNA position 398, G replaced by A.
Protein change: p.Arg133Gln; replaces arginine 133 with glutamine.
Molecular consequence: missense variant. On other transcripts: 5 prime UTR variant (1).
Genome position (GRCh38, 1-based): chr15:90,936,432, G>A. VCF-style: chr15-90936432-G-A. GRCh37 (hg19) VCF-style: chr15-91479662-G-A.
Other names: c.-38G>A (NM_001323620.2); c.353G>A, p.Arg118Gln (NM_001323621.2, NM_001039675.2); c.398G>A, p.Arg133Gln (NM_001323619.1); short protein forms R118Q, R133Q.
Identifiers: ClinVar variation 1144013 (VCV001144013.10), dbSNP rs147481345, ClinGen allele CA7742514.

ClinVar aggregate classification (germline): Likely benign. Review status: criteria provided, multiple submitters, no conflicts (2 of 4 stars). 2 submissions from 2 submitters: Likely benign (2). Last evaluated 2026-03-31.

Conditions:
UNC45A-related disorder. Also called: UNC45A-related condition.

Allele frequency attached by ClinVar (database versions not stated): gnomAD exomes 0.00020; ExAC 0.00023; 1000 Genomes Project 0.00060; 1000 Genomes Project 30x 0.00062; gnomAD 0.00063 and 0.00068; ESP Exome Variant Server 0.00069; TOPMed 0.00083.
gnomAD v4.1: 238 of 1,614,160 alleles (0.015%); highest among the groups gnomAD compares: African/African-American, 0.25%; 1 homozygote.

Submissions (2):

PreventionGenetics, part of Exact Sciences
Classification: Likely benign for UNC45A-related condition. Last evaluated: 2026-03-31. Review status: criteria provided, single submitter. Criteria: ACMG Guidelines, 2015. Collection method: clinical testing. Allele origin: germline.
Comment: This variant is classified as likely benign based on ACMG/AMP sequence variant interpretation guidelines (Richards et al. 2015 PMID: 25741868, with internal and published modifications).

Labcorp Genetics (formerly Invitae), Labcorp
Classification: Likely benign. Last evaluated: 2025-11-17. Review status: criteria provided, single submitter. Criteria: Invitae Variant Classification Sherloc (09022015). Collection method: clinical testing. Allele origin: germline.